The following is an entry in ClinVar:

ClinVar aggregate classification (germline): Uncertain significance. Review status: criteria provided, multiple submitters, no conflicts (2 of 4 stars). 2 submissions from 2 submitters: Uncertain significance (2). Last evaluated 2024-12-11.

Conditions:
Inborn genetic diseases. Identifiers: MedGen C0950123, MeSH D030342.

Submissions (2):

Ambry Genetics
Classification: Uncertain significance for Inborn genetic diseases. Last evaluated: 2024-12-11. Review status: criteria provided, single submitter. Criteria: Ambry Variant Classification Scheme 2023. Collection method: clinical testing. Allele origin: germline.

Mayo Clinic Laboratories, Mayo Clinic
Classification: Uncertain significance. Last evaluated: 2024-05-28. Review status: criteria provided, single submitter. Criteria: ACMG Guidelines, 2015. Collection method: clinical testing. Allele origin: germline. Observed: 1 variant allele.
Comment: PP2, PP3, PM2

NM_001098484.3(SLC4A4):c.1039C>G (p.Leu347Val)

Gene: SLC4A4 (solute carrier family 4 member 4; plus strand). Cytogenetic location: 4q13.3.
Variant type: single nucleotide variant.
Coding change: c.1039C>G on transcript NM_001098484.3 (MANE Select); coding-DNA position 1039, C replaced by G.
Protein change: p.Leu347Val; replaces leucine 347 with valine.
Molecular consequence: missense variant.
Genome position (GRCh38, 1-based): chr4:71,447,719, C>G. VCF-style: chr4-71447719-C-G. GRCh37 (hg19) VCF-style: chr4-72313436-C-G.
Other names: p.Leu347Val; c.1039C>G, p.Leu347Val (NM_001134742.2); c.907C>G, p.Leu303Val (NM_003759.4); c.907C>G (NM_003759.3); short protein forms L303V, L347V.
Identifiers: ClinVar variation 3379539 (VCV003379539.2).
Genomic context (GRCh38, chr4:71,447,719, plus strand): 5'-CTCTTAGGTCCTAAGGGGAAAGCCAAGTCCTACCACGAGATTGGCAGAGCCATTGCCACC[C>G]TGATGTCTGATGAGGTAGGAAATCAGGAAGATGGAGTTCTGTGAATGTCCTACTTGTTTG-3'
Protein context (NP_001091954.1, residues 337-357): YHEIGRAIAT[Leu347Val]MSDEVFHDIA